The following is an entry in ClinVar:

NM_004415.4(DSP):c.6697_6698del (p.Val2233fs)

Gene: DSP (desmoplakin; plus strand). Cytogenetic location: 6p24.3.
Variant type: Deletion.
Coding change: c.6697_6698del on transcript NM_004415.4 (MANE Select); coding-DNA positions 6697 to 6698, 2 bases deleted (GT; older notation c.6697_6698delGT).
Protein change: p.Val2233fs; shifts the reading frame from valine 2233.
Molecular consequence: frameshift variant.
Genome position (GRCh38, 1-based): chr6:7,583,959-7,583,960, GT deleted; deleting any 2 consecutive bases within chr6:7,583,958-7,583,960 gives the same sequence; the c. name uses the placement nearest the transcript's 3' end. VCF-style (leftmost placement, unchanged base first): chr6-7583957-CTG-C. GRCh37 (hg19) VCF-style: chr6-7584190-CTG-C.
Other names: c.4900_4901del, p.Val1634fs (NM_001008844.3); c.5368_5369del, p.Val1790fs (NM_001319034.2); short protein forms V2233fs, V1634fs, V1790fs.
Identifiers: ClinVar variation 1456983 (VCV001456983.8), dbSNP rs2113700906, ClinGen allele CA2573140818.
Genomic context (GRCh38, chr6:7,583,957, plus strand): 5'-GAATCAGACAACCTGTGACCGTCACTGAGCTAGTAGATTCTGGTATATTGAGACCGTCCA[CTG>C]TCAATGAACTGGAATCTGGTCAGATTTCTTATGACGAGGTTGGTGAGAGAATTAAGGACT-3'

ClinVar aggregate classification (germline): Pathogenic (1 of 4 stars; one submission).

Conditions:
Arrhythmogenic right ventricular dysplasia 8 (ARVD8). Also called: Arrhythmogenic Right Ventricular Dysplasia/Cardiomyopathy 8; ARRHYTHMOGENIC RIGHT VENTRICULAR DYSPLASIA, FAMILIAL, 8; ARRHYTHMOGENIC RIGHT VENTRICULAR CARDIOMYOPATHY 8. Identifiers: MedGen C1843896, MONDO:0011831, OMIM 607450.
Arrhythmogenic cardiomyopathy with wooly hair and keratoderma. Also called: Arrhythmogenic cardiomyopathy with woolly hair and keratoderma; PALMOPLANTAR KERATODERMA WITH LEFT VENTRICULAR CARDIOMYOPATHY AND WOOLLY HAIR; Carvajal syndrome; Dilated cardiomyopathy with woolly hair and keratoderma. Identifiers: Orphanet 65282, MedGen C1854063, MONDO:0011581, OMIM 605676.

Submission:

Labcorp Genetics (formerly Invitae), Labcorp
Classification: Pathogenic for Arrhythmogenic cardiomyopathy with wooly hair and keratoderma; Arrhythmogenic right ventricular dysplasia 8. Last evaluated: 2021-06-19. Review status: criteria provided, single submitter. Criteria: Invitae Variant Classification Sherloc (09022015). Collection method: clinical testing. Allele origin: germline.
Comment: This sequence change creates a premature translational stop signal (p.Val2233Glnfs*2) in the DSP gene. While this is not anticipated to result in nonsense mediated decay, it is expected to disrupt the last 639 amino acid(s) of the DSP protein. This variant is not present in population databases (ExAC no frequency). This variant has not been reported in the literature in individuals with DSP-related conditions. This variant disrupts the C-terminus of the DSP protein. Other variant(s) that disrupt this region (p.Glu2728Glyfs*11) have been determined to be pathogenic (Invitae). This suggests that variants that disrupt this region of the protein are likely to be causative of disease. For these reasons, this variant has been classified as Pathogenic.